The following is an entry in ClinVar:

ClinVar aggregate classification (germline): Conflicting classifications of pathogenicity. Review status: criteria provided, conflicting classifications (1 of 4 stars). 2 submissions from 2 submitters: Uncertain significance (1); Likely benign (1). Last evaluated 2022-01-20.

Conditions:
Emery-Dreifuss muscular dystrophy 5, autosomal dominant (EDMD5). Also called: EMERY-DREIFUSS MUSCULAR DYSTROPHY 5. Identifiers: Orphanet 261, MedGen C2751805, MONDO:0013072, OMIM 612999.

Allele frequency attached by ClinVar (database versions not stated): gnomAD 0.00001; ExAC 0.00002; TOPMed 0.00002.
gnomAD v4.1: 27 of 1,614,008 alleles (0.0017%); highest among the groups gnomAD compares: Non-Finnish European, 0.0017%; no homozygotes.

Submissions (2):

Labcorp Genetics (formerly Invitae), Labcorp
Classification: Uncertain significance for Emery-Dreifuss muscular dystrophy 5, autosomal dominant. Last evaluated: 2022-01-20. Review status: criteria provided, single submitter. Criteria: Invitae Variant Classification Sherloc (09022015). Collection method: clinical testing. Allele origin: germline.
Comment: This variant has not been reported in the literature in individuals affected with SYNE2-related conditions. ClinVar contains an entry for this variant (Variation ID: 313621). Algorithms developed to predict the effect of missense changes on protein structure and function output the following: SIFT: "Tolerated"; PolyPhen-2: "Benign"; Align-GVGD: "Class C0". The threonine amino acid residue is found in multiple mammalian species, which suggests that this missense change does not adversely affect protein function. In summary, the available evidence is currently insufficient to determine the role of this variant in disease. Therefore, it has been classified as a Variant of Uncertain Significance. This sequence change replaces alanine, which is neutral and non-polar, with threonine, which is neutral and polar, at codon 5460 of the SYNE2 protein (p.Ala5460Thr). This variant is present in population databases (rs775169295, gnomAD 0.005%).

Illumina Laboratory Services, Illumina
Classification: Likely benign for Emery-Dreifuss muscular dystrophy 5, autosomal dominant. Last evaluated: 2018-01-13. Review status: criteria provided, single submitter. Criteria: ICSL Variant Classification Criteria 13 December 2019. Collection method: clinical testing. Allele origin: germline.
Comment: This variant was observed in the ICSL laboratory as part of a predisposition screen in an ostensibly healthy population. It had not been previously curated by ICSL or reported in the Human Gene Mutation Database (HGMD: prior to June 1st, 2018), and was therefore a candidate for classification through an automated scoring system. Utilizing variant allele frequency, disease prevalence and penetrance estimates, and inheritance mode, an automated score was calculated to assess if this variant is too frequent to cause the disease. Based on the score and internal cut-off values, a variant classified as likely benign is not then subjected to further curation. The score for this variant resulted in a classification of likely benign for this disease.

NM_182914.3(SYNE2):c.16378G>A (p.Ala5460Thr)

Gene: SYNE2 (spectrin repeat containing nuclear envelope protein 2; plus strand). Cytogenetic location: 14q23.2.
Variant type: single nucleotide variant.
Coding change: c.16378G>A on transcript NM_182914.3 (MANE Select); coding-DNA position 16378, G replaced by A.
Protein change: p.Ala5460Thr; replaces alanine 5460 with threonine.
Molecular consequence: missense variant.
Genome position (GRCh38, 1-based): chr14:64,163,480, G>A. VCF-style: chr14-64163480-G-A. GRCh37 (hg19) VCF-style: chr14-64630198-G-A.
Other names: c.16378G>A, p.Ala5460Thr (NM_015180.6); short protein forms A5460T.
Identifiers: ClinVar variation 313621 (VCV000313621.9), dbSNP rs775169295, ClinGen allele CA7223360.
Genomic context (GRCh38, chr14:64,163,480, plus strand): 5'-CAGAAAACAAAAGAAGCCTTTCTCCAAAATTCCAGTGTCCTGGATCGACTCCCACAACCC[G>A]CAGAGTCCAGCACCCACATGCTCCTCCCGGGCCCCCTGCACTCTCTCCAGAGGGCTGCTT-3'
Protein context (NP_878918.2, residues 5450-5470): SSVLDRLPQP[Ala5460Thr]ESSTHMLLPG